The following is an entry in ClinVar:

NM_000264.5(PTCH1):c.4111G>A (p.Val1371Met)

Gene: PTCH1 (patched 1; minus strand). Cytogenetic location: 9q22.32.
Variant type: single nucleotide variant.
Coding change: c.4111G>A on transcript NM_000264.5 (MANE Select); coding-DNA position 4111, G replaced by A.
Protein change: p.Val1371Met; replaces valine 1371 with methionine.
Molecular consequence: missense variant. On other transcripts: non-coding transcript variant (1).
Genome position (GRCh38, 1-based): chr9:95,447,145, C>T on the plus strand (G>A on the coding strand, the complement: PTCH1 is on the minus strand). VCF-style: chr9-95447145-C-T. GRCh37 (hg19) VCF-style: chr9-98209427-C-T.
Other names: c.3913G>A, p.Val1305Met (NM_001083602.3); c.4108G>A, p.Val1370Met (NM_001083603.3); c.3658G>A, p.Val1220Met (NM_001083604.3, NM_001083605.3, NM_001083606.3 and 1 more transcripts); c.3955G>A, p.Val1319Met (NM_001354918.2); short protein forms V1305M, V1370M, V1220M, V1371M, V1319M.
Identifiers: ClinVar variation 851997 (VCV000851997.10), dbSNP rs1837997469, ClinGen allele CA374110293.

ClinVar aggregate classification (germline): Uncertain significance (1 of 4 stars; one submission).

Conditions:
Gorlin syndrome. Also called: Nevoid Basal Cell Carcinoma Syndrome; Basal cell nevus syndrome. Identifiers: Orphanet 377, MedGen C0004779, MONDO:0007187.

Submission:

Labcorp Genetics (formerly Invitae), Labcorp
Classification: Uncertain significance for Gorlin syndrome. Last evaluated: 2022-09-06. Review status: criteria provided, single submitter. Criteria: Invitae Variant Classification Sherloc (09022015). Collection method: clinical testing. Allele origin: germline.
Comment: This sequence change replaces valine, which is neutral and non-polar, with methionine, which is neutral and non-polar, at codon 1371 of the PTCH1 protein (p.Val1371Met). This variant is not present in population databases (gnomAD no frequency). This variant has not been reported in the literature in individuals affected with PTCH1-related conditions. ClinVar contains an entry for this variant (Variation ID: 851997). Algorithms developed to predict the effect of missense changes on protein structure and function are either unavailable or do not agree on the potential impact of this missense change (SIFT: "Deleterious"; PolyPhen-2: "Probably Damaging"; Align-GVGD: "Class C0"). In summary, the available evidence is currently insufficient to determine the role of this variant in disease. Therefore, it has been classified as a Variant of Uncertain Significance.